The following is an entry in ClinVar:

ClinVar aggregate classification (germline): Uncertain significance (1 of 4 stars; one submission).

Submission:

Labcorp Genetics (formerly Invitae), Labcorp
Classification: Uncertain significance. Last evaluated: 2024-07-24. Review status: criteria provided, single submitter. Criteria: Invitae Variant Classification Sherloc (09022015). Collection method: clinical testing. Allele origin: germline.
Comment: This sequence change replaces valine, which is neutral and non-polar, with leucine, which is neutral and non-polar, at codon 764 of the PACS2 protein (p.Val764Leu). This variant is not present in population databases (gnomAD no frequency). This variant has not been reported in the literature in individuals affected with PACS2-related conditions. Advanced modeling of protein sequence and biophysical properties (such as structural, functional, and spatial information, amino acid conservation, physicochemical variation, residue mobility, and thermodynamic stability) performed at Invitae indicates that this missense variant is not expected to disrupt PACS2 protein function with a negative predictive value of 80%. In summary, the available evidence is currently insufficient to determine the role of this variant in disease. Therefore, it has been classified as a Variant of Uncertain Significance.

NM_001100913.3(PACS2):c.2290G>T (p.Val764Leu)

Gene: PACS2 (phosphofurin acidic cluster sorting protein 2; plus strand). Cytogenetic location: 14q32.33.
Variant type: single nucleotide variant.
Coding change: c.2290G>T on transcript NM_001100913.3 (MANE Select); coding-DNA position 2290, G replaced by T.
Protein change: p.Val764Leu; replaces valine 764 with leucine.
Molecular consequence: missense variant.
Genome position (GRCh38, 1-based): chr14:105,392,653, G>T. VCF-style: chr14-105392653-G-T. GRCh37 (hg19) VCF-style: chr14-105858990-G-T.
Other names: c.2020G>T, p.Val674Leu (NM_001243127.3); c.2245G>T, p.Val749Leu (NM_015197.4); short protein forms V764L, V674L, V749L.
Identifiers: ClinVar variation 3657608 (VCV003657608.2).